The following is an entry in ClinVar:

ClinVar aggregate classification (germline): Uncertain significance. Review status: criteria provided, multiple submitters, no conflicts (2 of 4 stars). 2 submissions from 2 submitters: Uncertain significance (2). Last evaluated 2024-03-06.

Conditions:
Cardiomyopathy (CMYO). Also called: Cardiomyopathies. Identifiers: Orphanet 167848, MedGen C0878544, MONDO:0004994, HP:0001638. Inheritance: Various modes of inheritance.
Arrhythmogenic right ventricular cardiomyopathy (ARVD). Also called: Arrhythmogenic cardiomyopathy; Cardiomyopathy, ARVC; Arrhythmogenic right ventricular dysplasia; Arrhythmogenic Right Ventricular Cardiomyopathy (ARVC). Identifiers: Orphanet 247, MedGen C0349788, MeSH D019571, MONDO:0016587. Disease mechanism: loss of function. Inheritance: Various modes of inheritance.

Allele frequency attached by ClinVar (database versions not stated): TOPMed below 0.00001; gnomAD 0.00001.
gnomAD v4.1: 1 of 1,614,082 alleles (0.000062%); highest among the groups gnomAD compares: Non-Finnish European, 0.000085%; no homozygotes.

Submissions (2):

Color Diagnostics, LLC DBA Color Health
Classification: Uncertain significance for Cardiomyopathy. Last evaluated: 2024-03-06. Review status: criteria provided, single submitter. Criteria: ACMG Guidelines, 2015. Collection method: clinical testing. Allele origin: germline.
Comment: This missense variant replaces aspartic acid with valine at codon 417 of the DSG2 protein. Computational prediction suggests that this variant may have deleterious impact on protein structure and function (internally defined REVEL score threshold >= 0.7, PMID: 27666373). To our knowledge, functional studies have not been reported for this variant. This variant has not been reported in individuals affected with DSG2-related disorders in the literature. This variant has not been identified in the general population by the Genome Aggregation Database (gnomAD). The available evidence is insufficient to determine the role of this variant in disease conclusively. Therefore, this variant is classified as a Variant of Uncertain Significance.

All of Us Research Program, National Institutes of Health
Classification: Uncertain significance for Arrhythmogenic right ventricular cardiomyopathy. Last evaluated: 2023-03-23. Review status: criteria provided, single submitter. Criteria: ACMG Guidelines, 2015. Collection method: clinical testing. Allele origin: germline. Inheritance: Autosomal dominant inheritance. Observed: 1 variant allele, 1 heterozygote.
Comment: This missense variant replaces aspartic acid with valine at codon 417 of the DSG2 protein. Computational prediction tool suggests that this variant may have deleterious impact on protein structure and function (internally defined REVEL score threshold >=0.7, PMID: 27666373). Splice site prediction tools suggest that this variant may not impact RNA splicing. To our knowledge, functional studies have not been performed for this variant. This variant has not been reported in individuals affected with cardiovascular disorders in the literature. This variant has not been identified in the general population by the Genome Aggregation Database (gnomAD). The available evidence is insufficient to determine the role of this variant in disease conclusively. Therefore, this variant is classified as a Variant of Uncertain Significance.

This study involves interpretation of variants in research participants for the purpose of population health screening. Participant phenotype was not available at the time of variant classification. Additional details can be found in publication PMID: 35346344, PMCID: PMC8962531

NM_001943.5(DSG2):c.1250A>T (p.Asp417Val)

Gene: DSG2 (desmoglein 2; plus strand). Cytogenetic location: 18q12.1.
Variant type: single nucleotide variant.
Coding change: c.1250A>T on transcript NM_001943.5 (MANE Select); coding-DNA position 1250, A replaced by T.
Protein change: p.Asp417Val; replaces aspartic acid 417 with valine.
Molecular consequence: missense variant.
Genome position (GRCh38, 1-based): chr18:31,531,222, A>T. VCF-style: chr18-31531222-A-T. GRCh37 (hg19) VCF-style: chr18-29111185-A-T.
Other names: short protein forms D417V.
Identifiers: ClinVar variation 925541 (VCV000925541.6), dbSNP rs1192016851, ClinGen allele CA402139489.